The following is an entry in ClinVar:

NM_001114753.3(ENG):c.63del (p.Thr22fs)

Gene: ENG (endoglin; minus strand). Cytogenetic location: 9q34.11.
Variant type: Deletion.
Coding change: c.63del on transcript NM_001114753.3 (MANE Select); coding-DNA position 63, one base deleted (C; older notation c.63delC).
Protein change: p.Thr22fs; shifts the reading frame from threonine 22.
Molecular consequence: frameshift variant.
Genome position (GRCh38, 1-based): chr9:127,854,293, G deleted on the plus strand (C on the coding strand, the reverse complement: ENG is on the minus strand); the first of 4 consecutive G bases (chr9:127,854,293-127,854,296); deleting any one gives the same sequence. VCF-style (leftmost placement, unchanged base first): chr9-127854292-TG-T. GRCh37 (hg19) VCF-style: chr9-130616571-TG-T.
Other names: c.60delC, p.Thr22Glnfs (NM_000118.4, NM_001406715.1); short protein forms T22fs.
Identifiers: ClinVar variation 1753314 (VCV001753314.7), dbSNP rs1829096099, ClinGen allele CA2580079580.
Genomic context (GRCh38, chr9:127,854,292, plus strand): 5'-GGCCTGGTCCGTGCACCGGAGGCCGAGTCTCCCCACCCTGGGTCCCTGGACACCTACTTG[TG>T]GGGCTGAGGCTGCAGCTGGCCAGCAGCAGGGCAACAGCCAGAGGGAGCGTGCCGCGGTCC-3'

ClinVar aggregate classification (germline): Pathogenic. Review status: criteria provided, multiple submitters, no conflicts (2 of 4 stars). 2 submissions from 2 submitters: Pathogenic (2). Last evaluated 2023-04-01.

Conditions:
Hereditary hemorrhagic telangiectasia (HHT). Also called: ORW DISEASE; Osler Weber Rendu syndrome; OSLER-RENDU-WEBER DISEASE; Osler hemorrhagic telangiectasia syndrome. Identifiers: Orphanet 774, MedGen C0039445, MONDO:0019180. Disease mechanism: loss of function.
Cardiovascular phenotype. Identifiers: MedGen CN230736.

Submissions (2):

Labcorp Genetics (formerly Invitae), Labcorp
Classification: Pathogenic for Hereditary hemorrhagic telangiectasia. Last evaluated: 2023-04-01. Review status: criteria provided, single submitter. Criteria: Invitae Variant Classification Sherloc (09022015). Collection method: clinical testing. Allele origin: germline.
Comment: This variant is not present in population databases (gnomAD no frequency). This sequence change creates a premature translational stop signal (p.Thr22Glnfs*21) in the ENG gene. It is expected to result in an absent or disrupted protein product. Loss-of-function variants in ENG are known to be pathogenic (PMID: 15879500). This premature translational stop signal has been observed in individual(s) with hereditary hemorrhagic telangiectasia (PMID: 12786761). ClinVar contains an entry for this variant (Variation ID: 1753314). For these reasons, this variant has been classified as Pathogenic.

Ambry Genetics
Classification: Pathogenic for Cardiovascular phenotype. Last evaluated: 2022-10-28. Review status: criteria provided, single submitter. Criteria: Ambry Variant Classification Scheme 2023. Collection method: clinical testing. Allele origin: germline.
Comment: The c.63delC pathogenic mutation, located in coding exon 1 of the ENG gene, results from a deletion of one nucleotide at nucleotide position 63, causing a translational frameshift with a predicted alternate stop codon (p.T22Qfs*21). This alteration has been reported in association with hereditary hemorrhagic telangiectasia (Lastella P et al. Clin. Genet., 2003 Jun;63:536-40). This variant is considered to be rare based on population cohorts in the Genome Aggregation Database (gnomAD). In addition to the clinical data presented in the literature, this alteration is expected to result in loss of function by premature protein truncation or nonsense-mediated mRNA decay. As such, this alteration is interpreted as a disease-causing mutation.

Literature cited by the submitters: PubMed 15879500 (cited by Labcorp Genetics (formerly Invitae), Labcorp); PubMed 12786761 (cited by Labcorp Genetics (formerly Invitae), Labcorp and Ambry Genetics); PubMed 15712271 (cited by Ambry Genetics); PubMed 16429404 (cited by Ambry Genetics); PubMed 16706966 (cited by Ambry Genetics).